The following is an entry in ClinVar:

NM_058216.3(RAD51C):c.654G>A (p.Glu218=)

Genes: RAD51C (RAD51 paralog C; plus strand), LOC129390903 (MPRA-validated peak2919 silencer; plus strand). Cytogenetic location: 17q22.
Variant type: single nucleotide variant.
Coding change: c.654G>A on transcript NM_058216.3 (MANE Select); coding-DNA position 654, G replaced by A.
Protein change: p.Glu218=; no amino-acid change (glutamic acid 218 retained).
Molecular consequence: synonymous variant. On other transcripts: non-coding transcript variant (1).
Genome position (GRCh38, 1-based): chr17:58,703,278, G>A. VCF-style: chr17-58703278-G-A. GRCh37 (hg19) VCF-style: chr17-56780639-G-A.
Identifiers: ClinVar variation 538793 (VCV000538793.20), dbSNP rs1388636466, ClinGen allele CA501075232.

ClinVar aggregate classification (germline): Benign/Likely benign. Review status: criteria provided, multiple submitters, no conflicts (2 of 4 stars). 6 submissions from 6 submitters: Benign (1); Likely benign (5). Last evaluated 2025-09-24.

Conditions:
Hereditary cancer-predisposing syndrome. Also called: Neoplastic Syndromes, Hereditary; Tumor predisposition; Hereditary Cancer Syndrome; Hereditary neoplastic syndrome. Identifiers: Orphanet 140162, MedGen C0027672, MeSH D009386, MONDO:0015356.
Fanconi anemia complementation group O. Also called: RAD51C-Related Fanconi Anemia. Identifiers: Orphanet 84, MedGen C3150653, MONDO:0013248, OMIM 613390.
Breast-ovarian cancer, familial, susceptibility to, 3. Also called: RAD51C-Related Breast/Ovarian Cancer. Identifiers: Orphanet 145, MedGen C3150659, MONDO:0013253, OMIM 613399.

Allele frequency attached by ClinVar (database versions not stated): gnomAD exomes below 0.00001; gnomAD 0.00001.
gnomAD v4.1: 3 of 1,610,200 alleles (0.00019%); highest among the groups gnomAD compares: African/African-American, 0.0027%; no homozygotes.

Submissions (6):

Labcorp Genetics (formerly Invitae), Labcorp
Classification: Likely benign for Fanconi anemia complementation group O. Last evaluated: 2025-09-24. Review status: criteria provided, single submitter. Criteria: Invitae Variant Classification Sherloc (09022015). Collection method: clinical testing. Allele origin: germline.

Center for Genomic Medicine, Rigshospitalet, Copenhagen University Hospital
Classification: Likely benign. Last evaluated: 2025-03-04. Review status: criteria provided, single submitter. Criteria: ACMG Guidelines, 2015. Collection method: clinical testing. Allele origin: germline.

Myriad Genetics, Inc.
Classification: Benign for Breast-ovarian cancer, familial, susceptibility to, 3. Last evaluated: 2025-02-18. Review status: criteria provided, single submitter. Criteria: Myriad Autosomal Dominant, Autosomal Recessive and X-Linked Classification Criteria (2023). Collection method: clinical testing. Allele origin: unknown.
Comment: This variant is considered benign. This variant is a silent/synonymous amino acid change and it is not expected to impact splicing.

Blueprint Genetics
Classification: Likely benign. Last evaluated: 2022-07-13. Review status: criteria provided, single submitter. Criteria: ACMG Guidelines, 2015. Collection method: clinical testing. Allele origin: germline.

Sema4
Classification: Likely benign for Hereditary cancer-predisposing syndrome. Last evaluated: 2021-05-14. Review status: criteria provided, single submitter. Criteria: Sema4 Curation Guidelines. Collection method: curation. Allele origin: germline.

Ambry Genetics
Classification: Likely benign for Hereditary cancer-predisposing syndrome. Last evaluated: 2019-10-29. Review status: criteria provided, single submitter. Criteria: Ambry Variant Classification Scheme 2023. Collection method: clinical testing. Allele origin: germline.